The following is an entry in ClinVar:

ClinVar aggregate classification (germline): Uncertain significance (1 of 4 stars; one submission).

Submission:

Labcorp Genetics (formerly Invitae), Labcorp
Classification: Uncertain significance. Last evaluated: 2023-10-10. Review status: criteria provided, single submitter. Criteria: Invitae Variant Classification Sherloc (09022015). Collection method: clinical testing. Allele origin: germline.
Comment: This sequence change replaces glutamic acid, which is acidic and polar, with glycine, which is neutral and non-polar, at codon 442 of the KANK1 protein (p.Glu442Gly). This variant is not present in population databases (gnomAD no frequency). This variant has not been reported in the literature in individuals affected with KANK1-related conditions. Advanced modeling of protein sequence and biophysical properties (such as structural, functional, and spatial information, amino acid conservation, physicochemical variation, residue mobility, and thermodynamic stability) performed at Invitae indicates that this missense variant is expected to disrupt KANK1 protein function. In summary, the available evidence is currently insufficient to determine the role of this variant in disease. Therefore, it has been classified as a Variant of Uncertain Significance.

NM_015158.5(KANK1):c.1325A>G (p.Glu442Gly)

Gene: KANK1 (KN motif and ankyrin repeat domains 1; plus strand). Cytogenetic location: 9p24.3.
Variant type: single nucleotide variant.
Coding change: c.1325A>G on transcript NM_015158.5 (MANE Select); coding-DNA position 1325, A replaced by G.
Protein change: p.Glu442Gly; replaces glutamic acid 442 with glycine.
Molecular consequence: missense variant. On other transcripts: non-coding transcript variant (1).
Genome position (GRCh38, 1-based): chr9:712,091, A>G. VCF-style: chr9-712091-A-G. GRCh37 (hg19) VCF-style: chr9-712091-A-G.
Other names: c.1325A>G, p.Glu442Gly (NM_001256876.3, NM_001256877.3, NM_001354331.2 and 2 more transcripts); c.851A>G, p.Glu284Gly (NM_001354333.2, NM_001354335.2, NM_001354336.2 and 9 more transcripts); short protein forms E284G, E442G.
Identifiers: ClinVar variation 2873420 (VCV002873420.3), dbSNP rs2539725012, ClinGen allele CA372747978.
Genomic context (GRCh38, chr9:712,091, plus strand): 5'-GTAAGGATGCAGCTGTAGGGACACTTGTTGAGATGAGAAATTGTGGGGTCAGCGTGACAG[A>G]GGCCATGCTTGGAGTGATGACTGAAGCTGACAAAGAAATTGAGCTGCAACAGCAGACCAT-3'
Protein context (NP_055973.2, residues 432-452): EMRNCGVSVT[Glu442Gly]AMLGVMTEAD